The following is an entry in ClinVar:

ClinVar aggregate classification (germline): Uncertain significance (1 of 4 stars; one submission).

Submission:

Labcorp Genetics (formerly Invitae), Labcorp
Classification: Uncertain significance. Last evaluated: 2024-11-02. Review status: criteria provided, single submitter. Criteria: Invitae Variant Classification Sherloc (09022015). Collection method: clinical testing. Allele origin: germline.
Comment: This sequence change creates a premature translational stop signal (p.Pro102Glnfs*35) in the MMP9 gene. It is expected to result in an absent or disrupted protein product. However, the current clinical and genetic evidence is not sufficient to establish whether loss-of-function variants in MMP9 cause disease. This variant is present in population databases (no rsID available, gnomAD 0.02%). This variant has not been reported in the literature in individuals affected with MMP9-related conditions. In summary, the available evidence is currently insufficient to determine the role of this variant in disease. Therefore, it has been classified as a Variant of Uncertain Significance.

NM_004994.3(MMP9):c.305del (p.Pro102fs)

Gene: MMP9 (matrix metallopeptidase 9; plus strand). Cytogenetic location: 20q13.12.
Variant type: Deletion.
Coding change: c.305del on transcript NM_004994.3 (MANE Select); coding-DNA position 305, one base deleted (C; older notation c.305delC).
Protein change: p.Pro102fs; shifts the reading frame from proline 102.
Molecular consequence: frameshift variant.
Genome position (GRCh38, 1-based): chr20:46,010,032, C deleted; the last of 3 consecutive C bases (chr20:46,010,030-46,010,032); deleting any one gives the same sequence. VCF-style (leftmost placement, unchanged base first): chr20-46010029-TC-T. GRCh37 (hg19) VCF-style: chr20-44638668-TC-T.
Other names: short protein forms P102fs.
Identifiers: ClinVar variation 3730391 (VCV003730391.2).